The following is an entry in ClinVar:

NM_017946.4(FKBP14):c.64A>T (p.Ile22Phe)

Genes: FKBP14 (FKBP prolyl isomerase 14; minus strand), FKBP14-AS1 (FKBP14 antisense RNA 1; plus strand). Cytogenetic location: 7p14.3.
Variant type: single nucleotide variant.
Coding change: c.64A>T on transcript NM_017946.4 (MANE Select); coding-DNA position 64, A replaced by T.
Protein change: p.Ile22Phe; replaces isoleucine 22 with phenylalanine.
Molecular consequence: missense variant. On other transcripts: non-coding transcript variant (3).
Genome position (GRCh38, 1-based): chr7:30,026,445, T>A on the plus strand (A>T on the coding strand, the complement: FKBP14 is on the minus strand). VCF-style: chr7-30026445-T-A. GRCh37 (hg19) VCF-style: chr7-30066061-T-A.
Other names: short protein forms I22F.
Identifiers: ClinVar variation 4841938 (VCV004841938.1).

ClinVar aggregate classification (germline): Uncertain significance (1 of 4 stars; one submission).

Conditions:
Cardiovascular phenotype. Identifiers: MedGen CN230736.

Submission:

Ambry Genetics
Classification: Uncertain significance for Cardiovascular phenotype. Last evaluated: 2025-12-21. Review status: criteria provided, single submitter. Criteria: Ambry Variant Classification Scheme 2023. Collection method: clinical testing. Allele origin: germline.
Comment: The p.I22F variant (also known as c.64A>T), located in coding exon 1 of the FKBP14 gene, results from an A to T substitution at nucleotide position 64. The isoleucine at codon 22 is replaced by phenylalanine, an amino acid with highly similar properties. This amino acid position is conserved. In addition, this alteration is predicted to be tolerated by in silico analysis. Based on the available evidence, the clinical significance of this variant remains unclear.